The following is an entry in ClinVar:

ClinVar aggregate classification (germline): Uncertain significance (1 of 4 stars; one submission).

Submission:

GeneDx
Classification: Uncertain significance. Last evaluated: 2024-02-02. Review status: criteria provided, single submitter. Criteria: GeneDx Variant Classification Process June 2021. Collection method: clinical testing. Allele origin: germline. Affected: yes.
Comment: Not observed at significant frequency in large population cohorts (gnomAD); In silico analysis supports that this missense variant has a deleterious effect on protein structure/function; Has not been previously published as pathogenic or benign to our knowledge

NM_001042492.3(NF1):c.6110C>T (p.Ala2037Val)

Gene: NF1 (neurofibromin 1; plus strand). Cytogenetic location: 17q11.2.
Variant type: single nucleotide variant.
Coding change: c.6110C>T on transcript NM_001042492.3 (MANE Select); coding-DNA position 6110, C replaced by T.
Protein change: p.Ala2037Val; replaces alanine 2037 with valine.
Molecular consequence: missense variant.
Genome position (GRCh38, 1-based): chr17:31,336,436, C>T. VCF-style: chr17-31336436-C-T. GRCh37 (hg19) VCF-style: chr17-29663454-C-T.
Other names: c.6047C>T, p.Ala2016Val (NM_000267.4); short protein forms A2016V, A2037V.
Identifiers: ClinVar variation 3368600 (VCV003368600.1).